The following is an entry in ClinVar:

ClinVar aggregate classification (germline): Benign/Likely benign. Review status: criteria provided, multiple submitters, no conflicts (2 of 4 stars). 2 submissions from 2 submitters: Benign (1); Likely benign (1). Last evaluated 2025-02-04.

Conditions:
Lynch syndrome 4 (LYNCH4). Also called: Colorectal cancer, hereditary nonpolyposis, type 4; Hereditary non-polyposis colorectal cancer, type 4. Identifiers: Orphanet 144, MedGen C1838333, MONDO:0013699, OMIM 614337. Disease mechanism: loss of function.
Hereditary cancer-predisposing syndrome. Also called: Neoplastic Syndromes, Hereditary; Tumor predisposition; Hereditary neoplastic syndrome; Hereditary Cancer Syndrome. Identifiers: Orphanet 140162, MedGen C0027672, MeSH D009386, MONDO:0015356.

Submissions (2):

Myriad Genetics, Inc.
Classification: Benign for Lynch syndrome 4. Last evaluated: 2025-02-04. Review status: criteria provided, single submitter. Criteria: Myriad Autosomal Dominant, Autosomal Recessive and X-Linked Classification Criteria (2023). Collection method: clinical testing. Allele origin: unknown.
Comment: This variant is considered benign. This variant is a silent/synonymous amino acid change and it is not expected to impact splicing.

Ambry Genetics
Classification: Likely benign for Hereditary cancer-predisposing syndrome. Last evaluated: 2021-07-14. Review status: criteria provided, single submitter. Criteria: Ambry Variant Classification Scheme 2023. Collection method: clinical testing. Allele origin: germline.

NM_000535.7(PMS2):c.2307C>A (p.Ser769=)

Gene: PMS2 (PMS1 homolog 2, mismatch repair system component; minus strand). Cytogenetic location: 7p22.1.
Variant type: single nucleotide variant.
Coding change: c.2307C>A on transcript NM_000535.7 (MANE Select); coding-DNA position 2307, C replaced by A.
Protein change: p.Ser769=; no amino-acid change (serine 769 retained).
Molecular consequence: synonymous variant. On other transcripts: intron variant (2).
Genome position (GRCh38, 1-based): chr7:5,977,726, G>T on the plus strand (C>A on the coding strand, the complement: PMS2 is on the minus strand). VCF-style: chr7-5977726-G-T. GRCh37 (hg19) VCF-style: chr7-6017357-G-T.
Other names: c.1902C>A, p.Ser634= (NM_001018040.1, NM_001322003.2, NM_001322004.2 and 12 more transcripts); c.2151C>A, p.Ser717= (NM_001322006.2); c.1989C>A, p.Ser663= (NM_001322007.2, NM_001322008.2, NM_001406883.1); c.1935C>A, p.Ser645= (NM_001322009.2, NM_001406887.1, NM_001406888.1); c.1746C>A, p.Ser582= (NM_001322010.2, NM_001406906.1, NM_001406907.1); c.1374C>A, p.Ser458= (NM_001322011.2, NM_001322012.2); c.1734C>A, p.Ser578= (NM_001322013.2, NM_001406908.1, NM_001406909.1); c.2340C>A, p.Ser780= (NM_001322014.2); and 20 more.
Identifiers: ClinVar variation 3232011 (VCV003232011.2), dbSNP rs1583281386, ClinGen allele CA453642467.
Genomic context (GRCh38, chr7:5,977,726, plus strand): 5'-CATGAAGATCAGTTCATCGACGTCCTGGGGTCCGAAGGTCCAGTTTTTACTAGTTGGCAA[G>T]GAAATCAGTTTAGCCCTTTCAGTGACTGGAGCTAAAAGAATACAATTTTGAGAAAAATCC-3'
Protein context (NP_000526.2, residues 759-779): APVTERAKLI[Ser769=]LPTSKNWTFG